The following is an entry in ClinVar:

ClinVar aggregate classification (germline): Uncertain significance (1 of 4 stars; one submission).

Conditions:
Developmental and epileptic encephalopathy, 23 (DEE23). Also called: Epileptic encephalopathy, early infantile, 23. Identifiers: Orphanet 411986, MedGen C4014492, MONDO:0014371, OMIM 615859.

Allele frequency attached by ClinVar (database versions not stated): gnomAD exomes 0.00001; TOPMed below 0.00001.
gnomAD v4.1: 4 of 1,603,950 alleles (0.00025%); highest among the groups gnomAD compares: Admixed American, 0.0067%; no homozygotes.

Submission:

Labcorp Genetics (formerly Invitae), Labcorp
Classification: Uncertain significance for Developmental and epileptic encephalopathy, 23. Last evaluated: 2022-07-12. Review status: criteria provided, single submitter. Criteria: Invitae Variant Classification Sherloc (09022015). Collection method: clinical testing. Allele origin: germline.
Comment: This sequence change replaces glycine, which is neutral and non-polar, with alanine, which is neutral and non-polar, at codon 869 of the DOCK7 protein (p.Gly869Ala). This variant is present in population databases (no rsID available, gnomAD 0.009%). This variant has not been reported in the literature in individuals affected with DOCK7-related conditions. ClinVar contains an entry for this variant (Variation ID: 1022180). Algorithms developed to predict the effect of missense changes on protein structure and function are either unavailable or do not agree on the potential impact of this missense change (SIFT: "Deleterious"; PolyPhen-2: "Benign"; Align-GVGD: "Class C0"). In summary, the available evidence is currently insufficient to determine the role of this variant in disease. Therefore, it has been classified as a Variant of Uncertain Significance.

NM_001367561.1(DOCK7):c.2606G>C (p.Gly869Ala)

Gene: DOCK7 (dedicator of cytokinesis 7; minus strand). Cytogenetic location: 1p31.3.
Variant type: single nucleotide variant.
Coding change: c.2606G>C on transcript NM_001367561.1 (MANE Select); coding-DNA position 2606, G replaced by C.
Protein change: p.Gly869Ala; replaces glycine 869 with alanine.
Molecular consequence: missense variant.
Genome position (GRCh38, 1-based): chr1:62,552,892, C>G on the plus strand (G>C on the coding strand, the complement: DOCK7 is on the minus strand). VCF-style: chr1-62552892-C-G. GRCh37 (hg19) VCF-style: chr1-63018563-C-G.
Other names: c.2606G>C, p.Gly869Ala (NM_001271999.2, NM_001272000.2, NM_001272001.2 and 2 more transcripts); short protein forms G869A.
Identifiers: ClinVar variation 1022180 (VCV001022180.6), dbSNP rs1372688441, ClinGen allele CA340621306.